The following is an entry in ClinVar:

ClinVar aggregate classification (germline): Uncertain significance (1 of 4 stars; one submission).

gnomAD v4.1: 1 of 1,455,348 alleles (0.000069%); highest among the groups gnomAD compares: Non-Finnish European, 0.00009%; no homozygotes.

Submission:

GeneDx
Classification: Uncertain significance. Last evaluated: 2023-12-10. Review status: criteria provided, single submitter. Criteria: GeneDx Variant Classification Process June 2021. Collection method: clinical testing. Allele origin: germline. Affected: yes.
Comment: Not observed at significant frequency in large population cohorts (gnomAD); In silico analysis supports that this missense variant does not alter protein structure/function; Has not been previously published as pathogenic or benign to our knowledge

NM_003718.5(CDK13):c.169C>G (p.Pro57Ala)

Gene: CDK13 (cyclin dependent kinase 13; plus strand). Cytogenetic location: 7p14.1.
Variant type: single nucleotide variant.
Coding change: c.169C>G on transcript NM_003718.5 (MANE Select); coding-DNA position 169, C replaced by G.
Protein change: p.Pro57Ala; replaces proline 57 with alanine.
Molecular consequence: missense variant.
Genome position (GRCh38, 1-based): chr7:39,950,810, C>G. VCF-style: chr7-39950810-C-G. GRCh37 (hg19) VCF-style: chr7-39990409-C-G.
Other names: c.169C>G, p.Pro57Ala (NM_031267.4); short protein forms P57A.
Identifiers: ClinVar variation 3252816 (VCV003252816.1), dbSNP rs1318948420.
Genomic context (GRCh38, chr7:39,950,810, plus strand): 5'-CCGCCGCTGCTGTTGCCGCTCCTGCAGCCGCAGCTCCTGCAACCGCCGCCGCCCCCGCCG[C>G]CTCTGCTCTTCCTGGCTGCTCCCGGCACGGCCGCCGCCGCAGCCGCCGCCGCCGCGGCCT-3'
Protein context (NP_003709.3, residues 47-67): QLLQPPPPPP[Pro57Ala]LLFLAAPGTA